The following is an entry in ClinVar:

NM_024675.4(PALB2):c.2994del (p.Gly999fs)

Gene: PALB2 (partner and localizer of BRCA2; minus strand). Cytogenetic location: 16p12.2.
Variant type: Deletion.
Coding change: c.2994del on transcript NM_024675.4 (MANE Select); coding-DNA position 2994, one base deleted (A; older notation c.2994delA).
Protein change: p.Gly999fs; shifts the reading frame from glycine 999.
Molecular consequence: frameshift variant. On other transcripts: intron variant (1).
Genome position (GRCh38, 1-based): chr16:23,622,971, T deleted on the plus strand (A on the coding strand, the reverse complement: PALB2 is on the minus strand). VCF-style (leftmost placement, unchanged base first): chr16-23622970-CT-C. GRCh37 (hg19) VCF-style: chr16-23634291-CT-C.
Other names: c.2934del, p.Gly979fs (NM_001407296.1); c.2922del, p.Gly975fs (NM_001407297.1); c.2832del, p.Gly945fs (NM_001407298.1, NM_001407302.1); c.2994del, p.Gly999fs (NM_001407299.1, NM_001407301.1); c.2109del, p.Gly704fs (NM_001407304.1, NM_001407305.1, NM_001407306.1 and 4 more transcripts); c.1947del, p.Gly650fs (NM_001407307.1); c.1206del, p.Gly403fs (NM_001407312.1, NM_001407313.1); c.528del, p.Gly177fs (NM_001407314.1); and 1 more; short protein forms G177fs, G403fs, G650fs, G704fs, G945fs, G975fs, G979fs, G999fs.
Identifiers: ClinVar variation 2673856 (VCV002673856.1), dbSNP rs2506331940, ClinGen allele CA2695197594.
Genomic context (GRCh38, chr16:23,622,970, plus strand): 5'-AACCTGTGATAAAATCATTCTTCATCTAATAGTTAAAAATCAATCAATGCTTTTCTTACC[CT>C]CCATCTTCTGCAAACGTCATGACTTCTACTTGTTGATCAGAAAGGGTCCCACTGCTACTA-3'

ClinVar aggregate classification (germline): Pathogenic (1 of 4 stars; one submission).

Conditions:
Familial cancer of breast. Also called: Hereditary breast cancer; BREAST CANCER, FAMILIAL; hereditary breast carcinoma. Identifiers: Orphanet 227535, MedGen C0346153, MONDO:0016419, OMIM 114480. Disease mechanism: loss of function.

Submission:

Myriad Genetics, Inc.
Classification: Pathogenic for Familial cancer of breast. Last evaluated: 2023-09-14. Review status: criteria provided, single submitter. Criteria: Myriad Autosomal Dominant, Autosomal Recessive and X-Linked Classification Criteria (2023). Collection method: clinical testing. Allele origin: unknown.
Comment: This variant is considered pathogenic. This variant creates a frameshift predicted to result in premature protein truncation.